The following is an entry in ClinVar:

NM_001371623.1(TCOF1):c.4037G>T (p.Arg1346Leu)

Gene: TCOF1 (treacle ribosome biogenesis factor 1; plus strand). Cytogenetic location: 5q32.
Variant type: single nucleotide variant.
Coding change: c.4037G>T on transcript NM_001371623.1 (MANE Select); coding-DNA position 4037, G replaced by T.
Protein change: p.Arg1346Leu; replaces arginine 1346 with leucine.
Molecular consequence: missense variant.
Genome position (GRCh38, 1-based): chr5:150,396,534, G>T. VCF-style: chr5-150396534-G-T. GRCh37 (hg19) VCF-style: chr5-149776097-G-T.
Other names: c.3803G>T, p.Arg1268Leu (NM_000356.4); c.4034G>T, p.Arg1345Leu (NM_001135243.2); c.3923G>T, p.Arg1308Leu (NM_001135244.2); c.3806G>T, p.Arg1269Leu (NM_001135245.2); c.3920G>T, p.Arg1307Leu (NM_001195141.2); short protein forms R1268L, R1345L, R1308L, R1269L, R1307L, R1346L.
Identifiers: ClinVar variation 451305 (VCV000451305.4), dbSNP rs979889720, ClinGen allele CA361742267.

ClinVar aggregate classification (germline): Uncertain significance. Review status: criteria provided, multiple submitters, no conflicts (2 of 4 stars). 2 submissions from 2 submitters: Uncertain significance (2). Last evaluated 2025-06-10.

Conditions:
Treacher Collins syndrome 1 (TCS1). Also called: TCOF1-Related Treacher Collins Syndrome. Identifiers: Orphanet 861, MedGen CN315775, MONDO:0007944, OMIM 154500.

gnomAD v4.1: 1 of 1,600,900 alleles (0.000062%); highest among the groups gnomAD compares: Non-Finnish European, 0.000085%; no homozygotes.

Submissions (2):

Labcorp Genetics (formerly Invitae), Labcorp
Classification: Uncertain significance for Treacher Collins syndrome 1. Last evaluated: 2025-06-10. Review status: criteria provided, single submitter. Criteria: Invitae Variant Classification Sherloc (09022015). Collection method: clinical testing. Allele origin: germline.
Comment: This sequence change replaces arginine, which is basic and polar, with leucine, which is neutral and non-polar, at codon 1345 of the TCOF1 protein (p.Arg1345Leu). This variant is not present in population databases (gnomAD no frequency). This variant has not been reported in the literature in individuals affected with TCOF1-related conditions. ClinVar contains an entry for this variant (Variation ID: 451305). An algorithm developed to predict the effect of missense changes on protein structure and function outputs the following: PolyPhen-2: "Benign". The leucine amino acid residue is found in multiple mammalian species, which suggests that this missense change does not adversely affect protein function. In summary, the available evidence is currently insufficient to determine the role of this variant in disease. Therefore, it has been classified as a Variant of Uncertain Significance.

GeneDx
Classification: Uncertain significance. Last evaluated: 2023-05-30. Review status: criteria provided, single submitter. Criteria: GeneDx Variant Classification Process June 2021. Collection method: clinical testing. Allele origin: germline. Affected: yes.
Comment: Not observed at significant frequency in large population cohorts (gnomAD); In silico analysis supports that this missense variant has a deleterious effect on protein structure/function; Has not been previously published as pathogenic or benign to our knowledge